The following is an entry in ClinVar:

ClinVar aggregate classification (germline): Benign/Likely benign. Review status: criteria provided, multiple submitters, no conflicts (2 of 4 stars). 2 submissions from 2 submitters: Benign (1); Likely benign (1). Last evaluated 2026-09-01.

Allele frequency attached by ClinVar (database versions not stated): 1000 Genomes Project 30x 0.00312; 1000 Genomes Project 0.00339; TOPMed 0.00582; ESP Exome Variant Server 0.00662; gnomAD 0.00674 and 0.00691; gnomAD exomes 0.00780 and 0.00793; ExAC 0.00867.
gnomAD v4.1: 12,003 of 1,559,898 alleles (0.77%); highest among the groups gnomAD compares: Non-Finnish European, 0.85%; 67 homozygotes.

Submissions (2):

CeGaT Center for Human Genetics Tuebingen
Classification: Likely benign. Last evaluated: 2026-09-01. Review status: criteria provided, single submitter. Criteria: CeGaT Center For Human Genetics Tuebingen Variant Classification Criteria Version 2. Collection method: clinical testing. Allele origin: germline. Affected: yes. Observed: 6 variant alleles.
Comment: GOT2: BP4, BP7, BS2

Labcorp Genetics (formerly Invitae), Labcorp
Classification: Benign. Last evaluated: 2026-01-19. Review status: criteria provided, single submitter. Criteria: Invitae Variant Classification Sherloc (09022015). Collection method: clinical testing. Allele origin: germline.

NM_002080.4(GOT2):c.597+18G>A

Genes: GOT2 (glutamic-oxaloacetic transaminase 2; minus strand), LOC126862363 (BRD4-independent group 4 enhancer GRCh37_chr16:58751959-58753158; plus strand). Cytogenetic location: 16q21.
Variant type: single nucleotide variant.
Coding change: c.597+18G>A on transcript NM_002080.4 (MANE Select); 18 bases into the intron after coding-DNA position 597, G replaced by A.
Molecular consequence: intron variant.
Genome position (GRCh38, 1-based): chr16:58,718,509, C>T on the plus strand (G>A on the coding strand, the complement: GOT2 is on the minus strand). VCF-style: chr16-58718509-C-T. GRCh37 (hg19) VCF-style: chr16-58752413-C-T.
Other names: c.468+18G>A (NM_001286220.2).
Identifiers: ClinVar variation 1674447 (VCV001674447.10), dbSNP rs140073258, ClinGen allele CA8091010.